The following is an entry in ClinVar:

ClinVar aggregate classification (germline): Uncertain significance (1 of 4 stars; one submission).

Submission:

GeneDx
Classification: Uncertain significance. Last evaluated: 2025-04-16. Review status: criteria provided, single submitter. Criteria: GeneDx Variant Classification Process June 2021. Collection method: clinical testing. Allele origin: germline. Affected: yes.
Comment: Not observed at significant frequency in large population cohorts (gnomAD); In silico analysis supports that this missense variant has a deleterious effect on protein structure/function; Has not been previously published as pathogenic or benign to our knowledge

NM_000718.4(CACNA1B):c.965A>G (p.Asn322Ser)

Gene: CACNA1B (calcium voltage-gated channel subunit alpha1 B; plus strand). Cytogenetic location: 9q34.3.
Variant type: single nucleotide variant.
Coding change: c.965A>G on transcript NM_000718.4 (MANE Select); coding-DNA position 965, A replaced by G.
Protein change: p.Asn322Ser; replaces asparagine 322 with serine.
Molecular consequence: missense variant.
Genome position (GRCh38, 1-based): chr9:137,917,430, A>G. VCF-style: chr9-137917430-A-G. GRCh37 (hg19) VCF-style: chr9-140811882-A-G.
Other names: c.965A>G, p.Asn322Ser (NM_001243812.2); short protein forms N322S.
Identifiers: ClinVar variation 4281968 (VCV004281968.1).
Genomic context (GRCh38, chr9:137,917,430, plus strand): 5'-TTGCCATCTTGACGGTGTTCCAGTGCATCACCATGGAGGGCTGGACTGACATCCTCTATA[A>G]TGTGAGTGGCGTCTTGGCCCTGGGCCTGAGGGCAGGCCCTGGACCTCCTGAGCTGGTGCC-3'
Protein context (NP_000709.1, residues 312-332): TMEGWTDILY[Asn322Ser]TNDAAGNTWN